The following is an entry in ClinVar:

ClinVar aggregate classification (germline): Uncertain significance (1 of 4 stars; one submission).

Allele frequency attached by ClinVar (database versions not stated): gnomAD exomes below 0.00001.

Submission:

Labcorp Genetics (formerly Invitae), Labcorp
Classification: Uncertain significance. Last evaluated: 2022-08-06. Review status: criteria provided, single submitter. Criteria: Invitae Variant Classification Sherloc (09022015). Collection method: clinical testing. Allele origin: germline.
Comment: In summary, the available evidence is currently insufficient to determine the role of this variant in disease. Therefore, it has been classified as a Variant of Uncertain Significance. Algorithms developed to predict the effect of missense changes on protein structure and function are either unavailable or do not agree on the potential impact of this missense change (SIFT: "Deleterious"; PolyPhen-2: "Possibly Damaging"; Align-GVGD: "Class C0"). This variant has not been reported in the literature in individuals affected with ADAMTSL4-related conditions. This variant is not present in population databases (gnomAD no frequency). This sequence change replaces arginine, which is basic and polar, with glycine, which is neutral and non-polar, at codon 173 of the ADAMTSL4 protein (p.Arg173Gly).

NM_019032.6(ADAMTSL4):c.517A>G (p.Arg173Gly)

Genes: ADAMTSL4 (ADAMTS like 4; plus strand), ADAMTSL4-AS2 (ADAMTSL4 antisense RNA 2; minus strand). Cytogenetic location: 1q21.2.
Variant type: single nucleotide variant.
Coding change: c.517A>G on transcript NM_019032.6 (MANE Select); coding-DNA position 517, A replaced by G.
Protein change: p.Arg173Gly; replaces arginine 173 with glycine.
Molecular consequence: missense variant.
Genome position (GRCh38, 1-based): chr1:150,553,508, A>G. VCF-style: chr1-150553508-A-G. GRCh37 (hg19) VCF-style: chr1-150525984-A-G.
Other names: c.517A>G, p.Arg173Gly (NM_001288607.2, NM_001288608.2, NM_001378596.1 and 1 more transcripts); short protein forms R173G.
Identifiers: ClinVar variation 1999284 (VCV001999284.2), dbSNP rs1671658183, ClinGen allele CA342301147.